The following is an entry in ClinVar:

NM_001330260.2(SCN8A):c.641G>A (p.Gly214Asp)

Gene: SCN8A (sodium voltage-gated channel alpha subunit 8; plus strand). Cytogenetic location: 12q13.13.
Variant type: single nucleotide variant.
Coding change: c.641G>A on transcript NM_001330260.2 (MANE Select); coding-DNA position 641, G replaced by A.
Protein change: p.Gly214Asp; replaces glycine 214 with aspartic acid.
Molecular consequence: missense variant. On other transcripts: intron variant (2).
Genome position (GRCh38, 1-based): chr12:51,689,031, G>A. VCF-style: chr12-51689031-G-A. GRCh37 (hg19) VCF-style: chr12-52082815-G-A.
Other names: p.Gly214Asp; c.641G>A, p.Gly214Asp (NM_001369788.1); c.706+182G>A (NM_014191.4, NM_001177984.3); short protein forms G214D.
Identifiers: ClinVar variation 1132561 (VCV001132561.10), dbSNP rs2138716643, ClinGen allele CA385224505.
Genomic context (GRCh38, chr12:51,689,031, plus strand): 5'-CACTTGTGTCTGTGTGTGACCTCCCTTACTACAGATATGTGACAGAGTTTGTGGACCTGG[G>A]CAATGTCTCAGCGCTGAGAACATTCAGGGTTCTCCGAGCTTTGAAAACTATCTCTGTAAT-3'
Protein context (NP_001317189.1, residues 204-224): MAYVTEFVDL[Gly214Asp]NVSALRTFRV

ClinVar aggregate classification (germline): Uncertain significance. Review status: criteria provided, multiple submitters, no conflicts (2 of 4 stars). 2 submissions from 2 submitters: Uncertain significance (2). Last evaluated 2025-11-05.

Conditions:
Early-infantile DEE. Also called: Early infantile epileptic encephalopathy with suppression bursts; Early infantile epileptic encephalopathy; Ohtahara syndrome. Identifiers: Orphanet 1934, MedGen C0393706, MONDO:0800491.
Developmental and epileptic encephalopathy, 13 (DEE13). Also called: Early infantile epileptic encephalopathy 13; Developmental and Epileptic Encephalopathy (SCN8A-DEE); SCN8A-Related Epilepsy. Identifiers: Orphanet 442835, MedGen C3281191, MONDO:0013801, OMIM 614558.

Submissions (2):

Department of Molecular Genetics, Istishari Arab Hospital
Classification: Uncertain significance for Developmental and epileptic encephalopathy, 13. Last evaluated: 2025-11-05. Review status: criteria provided, single submitter. Criteria: ACMG Guidelines, 2015. Collection method: clinical testing. Allele origin: germline. Inheritance: Autosomal dominant inheritance. Affected: yes.
Comment: The SCN8A variant c.641G>A p.Gly214Asp creates an amino acid change from Gly to Asp at position 214. To the best of our knowledge, this variant has not been previously reported in the literature and is not observed in the gnomAD v4.1.0 dataset. A different missense change at the same codon (p.Gly214Ser) has been reported as of uncertain significance. Based on the segregation results, this variant was revealed to be de novo. therefore it is classified as likely pathogenic

Labcorp Genetics (formerly Invitae), Labcorp
Classification: Uncertain significance for Early-infantile DEE. Last evaluated: 2021-12-07. Review status: criteria provided, single submitter. Criteria: Invitae Variant Classification Sherloc (09022015). Collection method: clinical testing. Allele origin: germline.
Comment: The SCN8A gene has multiple clinically relevant transcripts. This variant occurs in alternate transcript NM_001330260.1, and corresponds to NM_014191.3:c.706+182G>A in the primary transcript. This sequence change replaces glycine, which is neutral and non-polar, with aspartic acid, which is acidic and polar, at codon 214 of the SCN8A protein (p.Gly214Asp). This variant is not present in population databases (gnomAD no frequency). This variant has not been reported in the literature in individuals affected with SCN8A-related conditions. ClinVar contains an entry for this variant (Variation ID: 1132561). Experimental studies and prediction algorithms are not available or were not evaluated, and the functional significance of this variant is currently unknown. In summary, the available evidence is currently insufficient to determine the role of this variant in disease. Therefore, it has been classified as a Variant of Uncertain Significance.